The following is an entry in ClinVar:

NM_017635.5(KMT5B):c.542A>G (p.His181Arg)

Gene: KMT5B (lysine methyltransferase 5B; minus strand). Cytogenetic location: 11q13.2.
Variant type: single nucleotide variant.
Coding change: c.542A>G on transcript NM_017635.5 (MANE Select); coding-DNA position 542, A replaced by G.
Protein change: p.His181Arg; replaces histidine 181 with arginine.
Molecular consequence: missense variant. On other transcripts: non-coding transcript variant (3), 5 prime UTR variant (1).
Genome position (GRCh38, 1-based): chr11:68,175,019, T>C on the plus strand (A>G on the coding strand, the complement: KMT5B is on the minus strand). VCF-style: chr11-68175019-T-C. GRCh37 (hg19) VCF-style: chr11-67942486-T-C.
Other names: c.26A>G, p.His9Arg (NM_001300907.1, NM_001369424.1, NM_001369428.1 and 5 more transcripts); c.-126A>G (NM_001300908.2); c.473A>G, p.His158Arg (NM_001300909.2); c.542A>G, p.His181Arg (NM_001363566.2, NM_001369426.1, NM_001369427.1 and 1 more transcripts); c.329A>G, p.His110Arg (NM_001369425.1); short protein forms H110R, H158R, H181R, H9R.
Identifiers: ClinVar variation 4882649 (VCV004882649.2).
Genomic context (GRCh38, chr11:68,175,019, plus strand): 5'-TAATTTACTTCACTATTCTTATCCAAATAGGTTAACAGCATCAGTCTTAATAAACTTACA[T>C]GTTCTTTGAATAATTTCTCCTGCATTTTATTCTTGTTGAGAAAATAGTGCCGTGCCCATT-3'
Protein context (NP_060105.3, residues 171-191): NKMQEKLFKE[His181Arg]VFIYLRMFAT

ClinVar aggregate classification (germline): Uncertain significance (1 of 4 stars; one submission).

Conditions:
Intellectual developmental disorder, autosomal dominant 51. Also called: MENTAL RETARDATION, AUTOSOMAL DOMINANT 51; Intellectual disability, autosomal dominant 51. Identifiers: Orphanet 684226, MedGen C4540474, MONDO:0030917, OMIM 617788.

Submission:

Dasa
Classification: Uncertain significance for Intellectual developmental disorder, autosomal dominant 51. Last evaluated: 2026-04-16. Review status: criteria provided, single submitter. Criteria: DASA Assertion Criteria. Collection method: clinical testing. Allele origin: germline.
Comment: NM_017635.5(KMT5B):c.542A>G (p.His181Arg) is a missense variant that results in the substitution of histidine with arginine. This variant has been reported in individuals with KMT5B-related disorders (PMID: 33057194). Also, this variant is absent from population databases. Computational prediction algorithms are consistent with a deleterious effect. The currently available literature and clinical evidence are not sufficient to establish a definitive association between this variant and the reported condition. Therefore, this variant is classified as a variant of uncertain significance.

Literature cited by the submitters: PubMed 33057194; PubMed 35982159; PubMed 34580403; PubMed 35331928.